The following is an entry in ClinVar:

ClinVar aggregate classification (germline): Uncertain significance. Review status: criteria provided, multiple submitters, no conflicts (2 of 4 stars). 3 submissions from 3 submitters: Uncertain significance (3). Last evaluated 2024-12-09.

Conditions:
Autosomal dominant nonsyndromic hearing loss 1. Also called: DEAFNESS, AUTOSOMAL DOMINANT 1, WITH OR WITHOUT THROMBOCYTOPENIA; KONIGSMARK SYNDROME. Identifiers: Orphanet 90635, MedGen C1852282, MONDO:0007424, OMIM 124900.
Progressive microcephaly-seizures-cortical blindness-developmental delay syndrome. Also called: Seizures, cortical blindness, and microcephaly syndrome. Identifiers: Orphanet 477814, MedGen C5567650, MONDO:0014714, OMIM 616632.

Allele frequency attached by ClinVar (database versions not stated): ExAC 0.00001; gnomAD exomes 0.00001.
gnomAD v4.1: 18 of 1,613,912 alleles (0.0011%); highest among the groups gnomAD compares: South Asian, 0.0055%; no homozygotes.

Submissions (3):

GeneDx
Classification: Uncertain significance. Last evaluated: 2024-12-09. Review status: criteria provided, single submitter. Criteria: GeneDx Variant Classification Process June 2021. Collection method: clinical testing. Allele origin: germline. Affected: yes.
Comment: Not observed at significant frequency in large population cohorts (gnomAD); In silico analysis supports that this missense variant has a deleterious effect on protein structure/function; Has not been previously published as pathogenic or benign to our knowledge

Blueprint Genetics
Classification: Uncertain significance. Last evaluated: 2024-09-20. Review status: criteria provided, single submitter. Criteria: ACMG Guidelines, 2015. Collection method: clinical testing. Allele origin: germline.

Labcorp Genetics (formerly Invitae), Labcorp
Classification: Uncertain significance for Progressive microcephaly-seizures-cortical blindness-developmental delay syndrome; Autosomal dominant nonsyndromic hearing loss 1. Last evaluated: 2022-02-11. Review status: criteria provided, single submitter. Criteria: Invitae Variant Classification Sherloc (09022015). Collection method: clinical testing. Allele origin: germline.
Comment: In summary, the available evidence is currently insufficient to determine the role of this variant in disease. Therefore, it has been classified as a Variant of Uncertain Significance. Algorithms developed to predict the effect of sequence changes on RNA splicing suggest that this variant may create or strengthen a splice site. Algorithms developed to predict the effect of missense changes on protein structure and function (SIFT, PolyPhen-2, Align-GVGD) all suggest that this variant is likely to be disruptive. This variant has not been reported in the literature in individuals affected with DIAPH1-related conditions. This variant is present in population databases (rs750111294, gnomAD 0.003%). This sequence change replaces arginine, which is basic and polar, with tryptophan, which is neutral and slightly polar, at codon 1156 of the DIAPH1 protein (p.Arg1156Trp).

NM_005219.5(DIAPH1):c.3466C>T (p.Arg1156Trp)

Gene: DIAPH1 (diaphanous related formin 1; minus strand). Cytogenetic location: 5q31.3.
Variant type: single nucleotide variant.
Coding change: c.3466C>T on transcript NM_005219.5 (MANE Select); coding-DNA position 3466, C replaced by T.
Protein change: p.Arg1156Trp; replaces arginine 1156 with tryptophan.
Molecular consequence: missense variant.
Genome position (GRCh38, 1-based): chr5:141,526,146, G>A on the plus strand (C>T on the coding strand, the complement: DIAPH1 is on the minus strand). VCF-style: chr5-141526146-G-A. GRCh37 (hg19) VCF-style: chr5-140905713-G-A.
Other names: c.3439C>T, p.Arg1147Trp (NM_001079812.3); c.3466C>T, p.Arg1156Trp (NM_001314007.2); c.3466C>T (NM_005219.4); short protein forms R1147W, R1156W.
Identifiers: ClinVar variation 2157640 (VCV002157640.6), dbSNP rs750111294, ClinGen allele CA3478776.